The following is an entry in ClinVar:

NM_017617.5(NOTCH1):c.2207+5G>A

Gene: NOTCH1 (notch receptor 1; minus strand). Cytogenetic location: 9q34.3.
Variant type: single nucleotide variant.
Coding change: c.2207+5G>A on transcript NM_017617.5 (MANE Select); 5 bases into the intron after coding-DNA position 2207, G replaced by A.
Molecular consequence: intron variant.
Genome position (GRCh38, 1-based): chr9:136,514,505, C>T on the plus strand (G>A on the coding strand, the complement: NOTCH1 is on the minus strand). VCF-style: chr9-136514505-C-T. GRCh37 (hg19) VCF-style: chr9-139408957-C-T.
Other names: c.2207+5G>A (LRG_1122t1).
Identifiers: ClinVar variation 544190 (VCV000544190.9), dbSNP rs1214619547, ClinGen allele CA591176721.
Genomic context (GRCh38, chr9:136,514,505, plus strand): 5'-CTCCTGGCAGCAGAGCTCCCAGGGTTTAGGACTGATGTGTCCCCATGATCGGCCCCGCCG[C>T]ATACCCGTTGAGGCTGTCCCGGCAGGCCCCGTGGACGCAGGGGTTGCTGTTGCACTCATT-3'

ClinVar aggregate classification (germline): Uncertain significance. Review status: criteria provided, multiple submitters, no conflicts (2 of 4 stars). 4 submissions from 3 submitters: Uncertain significance (4). Last evaluated 2022-08-16.

Conditions:
Adams-Oliver syndrome 5 (AOS5). Identifiers: Orphanet 974, MedGen C4014970, MONDO:0014459, OMIM 616028.
Aortic valve disease 1 (AOVD1). Identifiers: MedGen C3887892, MONDO:0024523, OMIM 109730.

Allele frequency attached by ClinVar (database versions not stated): gnomAD 0.00001; gnomAD exomes 0.00001; TOPMed 0.00003.
gnomAD v4.1: 12 of 1,570,552 alleles (0.00076%); highest among the groups gnomAD compares: African/African-American, 0.0013%; no homozygotes.

Submissions (4):

Labcorp Genetics (formerly Invitae), Labcorp
Classification: Uncertain significance for Adams-Oliver syndrome 5. Last evaluated: 2022-08-16. Review status: criteria provided, single submitter. Criteria: Invitae Variant Classification Sherloc (09022015). Collection method: clinical testing. Allele origin: germline.
Comment: In summary, the available evidence is currently insufficient to determine the role of this variant in disease. Therefore, it has been classified as a Variant of Uncertain Significance. Variants that disrupt the consensus splice site are a relatively common cause of aberrant splicing (PMID: 17576681, 9536098). Algorithms developed to predict the effect of sequence changes on RNA splicing suggest that this variant may create or strengthen a splice site. ClinVar contains an entry for this variant (Variation ID: 544190). This variant has not been reported in the literature in individuals affected with NOTCH1-related conditions. The frequency data for this variant in the population databases is considered unreliable, as metrics indicate poor data quality at this position in the gnomAD database. This sequence change falls in intron 13 of the NOTCH1 gene. It does not directly change the encoded amino acid sequence of the NOTCH1 protein. It affects a nucleotide within the consensus splice site.

Genome-Nilou Lab
Classification: Uncertain significance for Adams-Oliver syndrome 5. Last evaluated: 2022-03-15. Review status: criteria provided, single submitter. Criteria: ACMG Guidelines, 2015. Collection method: clinical testing. Allele origin: germline. Affected: no.

Genome-Nilou Lab
Classification: Uncertain significance for Aortic valve disease 1. Last evaluated: 2022-03-15. Review status: criteria provided, single submitter. Criteria: ACMG Guidelines, 2015. Collection method: clinical testing. Allele origin: germline. Affected: no.

GeneDx
Classification: Uncertain significance. Last evaluated: 2019-04-26. Review status: criteria provided, single submitter. Criteria: GeneDx Variant Classification Process June 2021. Collection method: clinical testing. Allele origin: germline. Affected: yes.
Comment: Has not been previously published as pathogenic or benign to our knowledge; Reported in ClinVar as a variant of uncertain significance (ClinVar Variant ID# 544190; Landrum et al., 2016); Not observed in large population cohorts (Lek et al., 2016); Splice site variant expected to result in aberrant splicing, though splice outcome is unknown; Other splicing variants in NOTCH1 have been reported in HGMD in association with NOTCH1-related disorders, although the majority of reported NOTCH1 variants are missense variants (Stenson et al., 2014)

Literature cited by the submitters: PubMed 17576681 (cited by Labcorp Genetics (formerly Invitae), Labcorp); PubMed 9536098 (cited by Labcorp Genetics (formerly Invitae), Labcorp).